The following is an entry in ClinVar:

NM_001365951.3(KIF1B):c.4594C>T (p.Pro1532Ser)

Gene: KIF1B (kinesin family member 1B; plus strand). Cytogenetic location: 1p36.22.
Variant type: single nucleotide variant.
Coding change: c.4594C>T on transcript NM_001365951.3 (MANE Select); coding-DNA position 4594, C replaced by T.
Protein change: p.Pro1532Ser; replaces proline 1532 with serine.
Molecular consequence: missense variant.
Genome position (GRCh38, 1-based): chr1:10,365,490, C>T. VCF-style: chr1-10365490-C-T. GRCh37 (hg19) VCF-style: chr1-10425548-C-T.
Other names: c.4594C>T, p.Pro1532Ser (NM_001365952.1); c.4456C>T, p.Pro1486Ser (NM_015074.3); short protein forms P1486S, P1532S.
Identifiers: ClinVar variation 2563632 (VCV002563632.2), dbSNP rs2521914767, ClinGen allele CA338322004.

ClinVar aggregate classification (germline): Uncertain significance (1 of 4 stars; one submission).

Allele frequency attached by ClinVar (database versions not stated): gnomAD exomes 0.00001.
gnomAD v4.1: 5 of 1,614,120 alleles (0.00031%); highest among the groups gnomAD compares: Non-Finnish European, 0.00042%; no homozygotes.

Submission:

Ambry Genetics
Classification: Uncertain significance. Last evaluated: 2023-05-10. Review status: criteria provided, single submitter. Criteria: Ambry Variant Classification Scheme 2023. Collection method: clinical testing. Allele origin: germline.
Comment: The p.P1486S variant (also known as c.4456C>T), located in coding exon 40 of the KIF1B gene, results from a C to T substitution at nucleotide position 4456. The proline at codon 1486 is replaced by serine, an amino acid with similar properties. This amino acid position is conserved. In addition, this alteration is predicted to be tolerated by in silico analysis. The evidence for this gene-disease relationship is limited; therefore, the clinical significance of this alteration is unclear.